The following is an entry in ClinVar:

NM_000285.4(PEPD):c.1451A>C (p.Lys484Thr)

Gene: PEPD (peptidase D; minus strand). Cytogenetic location: 19q13.11.
Variant type: single nucleotide variant.
Coding change: c.1451A>C on transcript NM_000285.4 (MANE Select); coding-DNA position 1451, A replaced by C.
Protein change: p.Lys484Thr; replaces lysine 484 with threonine.
Molecular consequence: missense variant.
Genome position (GRCh38, 1-based): chr19:33,387,375, T>G on the plus strand (A>C on the coding strand, the complement: PEPD is on the minus strand). VCF-style: chr19-33387375-T-G. GRCh37 (hg19) VCF-style: chr19-33878281-T-G.
Other names: c.1328A>C, p.Lys443Thr (NM_001166056.2); c.1259A>C, p.Lys420Thr (NM_001166057.2); short protein forms K420T, K443T, K484T.
Identifiers: ClinVar variation 2073969 (VCV002073969.1), dbSNP rs1269372983, ClinGen allele CA405219407.
Genomic context (GRCh38, chr19:33,387,375, plus strand): 5'-CCCAGGTGCGCTGGGATTTCTGGCTGGCTCTACTTGGGGCCAGAGAAGGGGGTAAAGGCC[T>G]TGTCACAGCCTGCCATGCATGCTTCAATCTCTTCCACAGTGCGGGGCACGCAGGTCAGCA-3'
Protein context (NP_000276.2, residues 474-493): EIEACMAGCD[Lys484Thr]AFTPFSGPK

ClinVar aggregate classification (germline): Uncertain significance (1 of 4 stars; one submission).

Allele frequency attached by ClinVar (database versions not stated): TOPMed 0.00001.
gnomAD v4.1: 2 of 1,614,070 alleles (0.00012%); highest among the groups gnomAD compares: Admixed American, 0.0033%; no homozygotes.

Submission:

Labcorp Genetics (formerly Invitae), Labcorp
Classification: Uncertain significance. Last evaluated: 2022-03-27. Review status: criteria provided, single submitter. Criteria: Invitae Variant Classification Sherloc (09022015). Collection method: clinical testing. Allele origin: germline.
Comment: This sequence change replaces lysine, which is basic and polar, with threonine, which is neutral and polar, at codon 484 of the PEPD protein (p.Lys484Thr). This variant is present in population databases (no rsID available, gnomAD 0.003%). This variant has not been reported in the literature in individuals affected with PEPD-related conditions. Algorithms developed to predict the effect of missense changes on protein structure and function are either unavailable or do not agree on the potential impact of this missense change (SIFT: "Deleterious"; PolyPhen-2: "Possibly Damaging"; Align-GVGD: "Class C0"). In summary, the available evidence is currently insufficient to determine the role of this variant in disease. Therefore, it has been classified as a Variant of Uncertain Significance.